The following is an entry in ClinVar:

NM_000135.4(FANCA):c.808C>T (p.Leu270=)

Gene: FANCA (FA complementation group A; minus strand). Cytogenetic location: 16q24.3.
Variant type: single nucleotide variant.
Coding change: c.808C>T on transcript NM_000135.4 (MANE Select); coding-DNA position 808, C replaced by T.
Protein change: p.Leu270=; no amino-acid change (leucine 270 retained).
Molecular consequence: synonymous variant.
Genome position (GRCh38, 1-based): chr16:89,799,623, G>A on the plus strand (C>T on the coding strand, the complement: FANCA is on the minus strand). VCF-style: chr16-89799623-G-A. GRCh37 (hg19) VCF-style: chr16-89866031-G-A.
Other names: c.808C>T, p.Leu270= (NM_001018112.3, NM_001286167.3); c.712C>T, p.Leu238= (NM_001351830.2).
Identifiers: ClinVar variation 2418280 (VCV002418280.7), dbSNP rs745531212, ClinGen allele CA286599856.

ClinVar aggregate classification (germline): Uncertain significance (1 of 4 stars; one submission).

Conditions:
Fanconi anemia (FA). Also called: Fanconi's anemia. Identifiers: Orphanet 84, MedGen C0015625, MeSH D005199, MONDO:0019391.

Allele frequency attached by ClinVar (database versions not stated): gnomAD exomes below 0.00001; TOPMed 0.00001.
gnomAD v4.1: 2 of 1,613,650 alleles (0.00012%); highest among the groups gnomAD compares: Non-Finnish European, 0.00017%; no homozygotes.

Submission:

Labcorp Genetics (formerly Invitae), Labcorp
Classification: Uncertain significance for Fanconi anemia. Last evaluated: 2022-09-09. Review status: criteria provided, single submitter. Criteria: Invitae Variant Classification Sherloc (09022015). Collection method: clinical testing. Allele origin: germline.
Comment: This sequence change affects codon 270 of the FANCA mRNA. It is a 'silent' change, meaning that it does not change the encoded amino acid sequence of the FANCA protein. This variant is not present in population databases (gnomAD no frequency). This variant has not been reported in the literature in individuals affected with FANCA-related conditions. Algorithms developed to predict the effect of sequence changes on RNA splicing suggest that this variant may disrupt the consensus splice site. In summary, the available evidence is currently insufficient to determine the role of this variant in disease. Therefore, it has been classified as a Variant of Uncertain Significance.